The following is an entry in ClinVar:

NM_007078.3(LDB3):c.1289C>A (p.Thr430Asn)

Gene: LDB3 (LIM domain binding 3; plus strand). Cytogenetic location: 10q23.2.
Variant type: single nucleotide variant.
Coding change: c.1289C>A on transcript NM_007078.3 (MANE Select); coding-DNA position 1289, C replaced by A.
Protein change: p.Thr430Asn; replaces threonine 430 with asparagine.
Molecular consequence: missense variant.
Genome position (GRCh38, 1-based): chr10:86,716,384, C>A. VCF-style: chr10-86716384-C-A. GRCh37 (hg19) VCF-style: chr10-88476141-C-A.
Other names: c.959C>A, p.Thr320Asn (NM_001080114.2); c.1304C>A, p.Thr435Asn (NM_001171610.2); c.1100C>A, p.Thr367Asn (NM_001368064.1, NM_001368065.1); c.1148C>A, p.Thr383Asn (NM_001368066.1); short protein forms T430N, T435N, T367N, T320N, T383N.
Identifiers: ClinVar variation 406798 (VCV000406798.19), dbSNP rs746183666, ClinGen allele CA5585115.
Genomic context (GRCh38, chr10:86,716,384, plus strand): 5'-CAGTGCCTGCATCTACCTACAGCCCGTCCCCAGGGGCCAATTACAGTCCCACTCCCTACA[C>A]CCCCTCCCCTGCCCCTGCCTACACCCCCTCCCCTGCCCCTGCCTACACCCCCTCACCTGT-3'
Protein context (NP_009009.1, residues 420-440): PGANYSPTPY[Thr430Asn]PSPAPAYTPS

ClinVar aggregate classification (germline): Uncertain significance. Review status: criteria provided, multiple submitters, no conflicts (2 of 4 stars). 4 submissions from 4 submitters: Uncertain significance (4). Last evaluated 2025-07-04.

Conditions:
Cardiovascular phenotype. Identifiers: MedGen CN230736.
Dilated cardiomyopathy 1C (CMD1C). Also called: CARDIOMYOPATHY, DILATED, 1C, WITH OR WITHOUT LEFT VENTRICULAR NONCOMPACTION; Cardiomyopathy, dilated, 1C, with or without LVNC. Identifiers: Orphanet 154, Orphanet 54260, MedGen C1832244, MONDO:0011094, OMIM 601493.
Myofibrillar myopathy 4. Also called: Zaspopathy (type). Identifiers: Orphanet 98912, MedGen C4721886, MONDO:0012277, OMIM 609452.

Allele frequency attached by ClinVar (database versions not stated): gnomAD 0.00007.

Submissions (4):

Ambry Genetics
Classification: Uncertain significance for Cardiovascular phenotype. Last evaluated: 2025-07-04. Review status: criteria provided, single submitter. Criteria: Ambry Variant Classification Scheme 2023. Collection method: clinical testing. Allele origin: germline.

Labcorp Genetics (formerly Invitae), Labcorp
Classification: Uncertain significance for Myofibrillar myopathy 4. Last evaluated: 2024-02-02. Review status: criteria provided, single submitter. Criteria: Invitae Variant Classification Sherloc (09022015). Collection method: clinical testing. Allele origin: germline.
Comment: The LDB3 gene has multiple clinically relevant transcripts. This variant occurs in alternate transcript NM_001171610.1, and corresponds to NM_001080116.1:c.*17010C>A in the primary transcript. This sequence change replaces threonine, which is neutral and polar, with asparagine, which is neutral and polar, at codon 435 of the LDB3 protein (p.Thr435Asn). The frequency data for this variant in the population databases is considered unreliable, as metrics indicate poor data quality at this position in the gnomAD database. This variant has not been reported in the literature in individuals affected with LDB3-related conditions. Experimental studies and prediction algorithms are not available or were not evaluated, and the functional significance of this variant is currently unknown. In summary, the available evidence is currently insufficient to determine the role of this variant in disease. Therefore, it has been classified as a Variant of Uncertain Significance.

Fulgent Genetics
Classification: Uncertain significance for Dilated cardiomyopathy 1C; Myofibrillar myopathy 4. Last evaluated: 2021-07-09. Review status: criteria provided, single submitter. Criteria: ACMG Guidelines, 2015. Collection method: clinical testing. Allele origin: unknown.

ARUP Laboratories, Molecular Genetics and Genomics, ARUP Laboratories
Classification: Uncertain significance. Last evaluated: 2019-04-01. Review status: criteria provided, single submitter. Criteria: ARUP Molecular Germline Variant Investigation Process. Collection method: clinical testing. Allele origin: germline.
Comment: The p.Thr435Asn variant (rs746183666) has not been reported in the medical literature, gene specific variation databases, nor has it been previously identified by our laboratory. This variant is listed in the Genome Aggregation Database (gnomAD) with an overall frequency of 0.01 percent in the African population (identified on 3 out of 23,778 chromosomes) and has been reported to the ClinVar database (Variation ID: 406798). The threonine at position 435 is highly conserved and computational analyses of the effects of the p.Thr435Asn variant on protein structure and function is neutral (SIFT: tolerated, PolyPhen-2: benign). Altogether, there is not enough evidence to classify the p.Thr435Asn variant with certainty.